The following is an entry in ClinVar:

ClinVar aggregate classification (germline): Uncertain significance. Review status: criteria provided, multiple submitters, no conflicts (2 of 4 stars). 2 submissions from 2 submitters: Uncertain significance (2). Last evaluated 2024-08-15.

Conditions:
Emery-Dreifuss muscular dystrophy (EDMD). Also called: Scapuloperoneal syndrome, X-linked (formerly); Humeroperoneal neuromuscular disease, (formerly). Identifiers: Orphanet 261, MedGen C0410189, MONDO:0016830.

Allele frequency attached by ClinVar (database versions not stated): gnomAD exomes below 0.00001; gnomAD 0.00001; TOPMed 0.00002.
gnomAD v4.1: 7 of 1,597,350 alleles (0.00044%); highest among the groups gnomAD compares: African/African-American, 0.0027%; no homozygotes.

Submissions (2):

Ambry Genetics
Classification: Uncertain significance. Last evaluated: 2024-08-15. Review status: criteria provided, single submitter. Criteria: Ambry Variant Classification Scheme 2023. Collection method: clinical testing. Allele origin: germline.

Labcorp Genetics (formerly Invitae), Labcorp
Classification: Uncertain significance for Emery-Dreifuss muscular dystrophy. Last evaluated: 2022-02-03. Review status: criteria provided, single submitter. Criteria: Invitae Variant Classification Sherloc (09022015). Collection method: clinical testing. Allele origin: germline.
Comment: In summary, the available evidence is currently insufficient to determine the role of this variant in disease. Therefore, it has been classified as a Variant of Uncertain Significance. Algorithms developed to predict the effect of missense changes on protein structure and function are either unavailable or do not agree on the potential impact of this missense change (SIFT: "Deleterious"; PolyPhen-2: "Probably Damaging"; Align-GVGD: "Class C0"). ClinVar contains an entry for this variant (Variation ID: 943140). This variant has not been reported in the literature in individuals affected with SUN1-related conditions. The frequency data for this variant in the population databases is considered unreliable, as metrics indicate poor data quality at this position in the gnomAD database. This sequence change replaces arginine, which is basic and polar, with tryptophan, which is neutral and slightly polar, at codon 50 of the SUN1 protein (p.Arg50Trp).

NM_001130965.3(SUN1):c.148C>T (p.Arg50Trp)

Gene: SUN1 (Sad1 and UNC84 domain containing 1; plus strand). Cytogenetic location: 7p22.3.
Variant type: single nucleotide variant.
Coding change: c.148C>T on transcript NM_001130965.3 (MANE Select); coding-DNA position 148, C replaced by T.
Protein change: p.Arg50Trp; replaces arginine 50 with tryptophan.
Molecular consequence: missense variant. On other transcripts: 5 prime UTR variant (29), non-coding transcript variant (3), intron variant (2).
Genome position (GRCh38, 1-based): chr7:838,868, C>T. VCF-style: chr7-838868-C-T. GRCh37 (hg19) VCF-style: chr7-878505-C-T.
Other names: c.148C>T, p.Arg50Trp (NM_001171944.2, NM_001171946.2, NM_001367633.1 and 34 more transcripts); c.211C>T, p.Arg71Trp (NM_001171945.2); c.-310C>T (NM_001367635.1); c.-3C>T (NM_001367636.1, NM_001367637.1, NM_001367644.1 and 24 more transcripts); c.367C>T, p.Arg123Trp (NM_001367651.1); c.-614C>T (NM_001367658.1); c.78-3078C>T (NM_001367695.1); c.-301-3078C>T (NM_001367639.1); short protein forms R50W, R71W, R123W.
Identifiers: ClinVar variation 943140 (VCV000943140.10), dbSNP rs1019819580, ClinGen allele CA152397223.